The following is an entry in ClinVar:

NM_002439.5(MSH3):c.3389A>T (p.Glu1130Val)

Gene: MSH3 (mutS homolog 3; plus strand). Cytogenetic location: 5q14.1.
Variant type: single nucleotide variant.
Coding change: c.3389A>T on transcript NM_002439.5 (MANE Select); coding-DNA position 3389, A replaced by T.
Protein change: p.Glu1130Val; replaces glutamic acid 1130 with valine.
Molecular consequence: missense variant.
Genome position (GRCh38, 1-based): chr5:80,875,837, A>T. VCF-style: chr5-80875837-A-T. GRCh37 (hg19) VCF-style: chr5-80171656-A-T.
Other names: c.3389A>T (NM_002439.3); short protein forms E1130V.
Identifiers: ClinVar variation 2010760 (VCV002010760.5), dbSNP rs2478809276, ClinGen allele CA360347465.

ClinVar aggregate classification (germline): Uncertain significance. Review status: criteria provided, multiple submitters, no conflicts (2 of 4 stars). 2 submissions from 2 submitters: Uncertain significance (2). Last evaluated 2025-09-17.

Conditions:
Hereditary cancer-predisposing syndrome. Also called: Tumor predisposition; Neoplastic Syndromes, Hereditary; Hereditary Cancer Syndrome; Hereditary neoplastic syndrome. Identifiers: Orphanet 140162, MedGen C0027672, MeSH D009386, MONDO:0015356.

Submissions (2):

Ambry Genetics
Classification: Uncertain significance for Hereditary cancer-predisposing syndrome. Last evaluated: 2025-09-17. Review status: criteria provided, single submitter. Criteria: Ambry Variant Classification Scheme 2023. Collection method: clinical testing. Allele origin: germline.
Comment: The p.E1130V variant (also known as c.3389A>T), located in coding exon 24 of the MSH3 gene, results from an A to T substitution at nucleotide position 3389. The glutamic acid at codon 1130 is replaced by valine, an amino acid with dissimilar properties. This amino acid position is conserved. In addition, this alteration is predicted to be tolerated by in silico analysis. Based on the available evidence, the clinical significance of this variant remains unclear.

Labcorp Genetics (formerly Invitae), Labcorp
Classification: Uncertain significance. Last evaluated: 2022-06-26. Review status: criteria provided, single submitter. Criteria: Invitae Variant Classification Sherloc (09022015). Collection method: clinical testing. Allele origin: germline.
Comment: In summary, the available evidence is currently insufficient to determine the role of this variant in disease. Therefore, it has been classified as a Variant of Uncertain Significance. This sequence change replaces glutamic acid, which is acidic and polar, with valine, which is neutral and non-polar, at codon 1130 of the MSH3 protein (p.Glu1130Val). This variant is not present in population databases (gnomAD no frequency). This variant has not been reported in the literature in individuals affected with MSH3-related conditions. Algorithms developed to predict the effect of missense changes on protein structure and function are either unavailable or do not agree on the potential impact of this missense change (SIFT: "Deleterious"; PolyPhen-2: "Benign"; Align-GVGD: "Class C0").